The following is an entry in ClinVar:

NM_001369.3(DNAH5):c.12923A>G (p.Tyr4308Cys)

Gene: DNAH5 (dynein axonemal heavy chain 5; minus strand). Cytogenetic location: 5p15.2.
Variant type: single nucleotide variant.
Coding change: c.12923A>G on transcript NM_001369.3 (MANE Select); coding-DNA position 12923, A replaced by G.
Protein change: p.Tyr4308Cys; replaces tyrosine 4308 with cysteine.
Molecular consequence: missense variant.
Genome position (GRCh38, 1-based): chr5:13,714,607, T>C on the plus strand (A>G on the coding strand, the complement: DNAH5 is on the minus strand). VCF-style: chr5-13714607-T-C. GRCh37 (hg19) VCF-style: chr5-13714716-T-C.
Other names: short protein forms Y4308C.
Identifiers: ClinVar variation 238961 (VCV000238961.22), dbSNP rs115075057, ClinGen allele CA3201491.

ClinVar aggregate classification (germline): Benign/Likely benign. Review status: criteria provided, multiple submitters, no conflicts (2 of 4 stars). 7 submissions from 7 submitters: Benign (3); Likely benign (3). 1 of the submissions does not count toward it. Last evaluated 2026-01-28.

Conditions:
Primary ciliary dyskinesia. Also called: Ciliary dyskinesia. Identifiers: Orphanet 244, MedGen C0008780, MONDO:0016575, HP:0012265.
Primary ciliary dyskinesia 3. Identifiers: Orphanet 244, MedGen C1837618, MONDO:0012085, OMIM 608644.

Allele frequency attached by ClinVar (database versions not stated): gnomAD exomes 0.00060 and 0.00165; ExAC 0.00201; ESP Exome Variant Server 0.00646; gnomAD 0.00666 and 0.00713; TOPMed 0.00719; 1000 Genomes Project 0.00779; 1000 Genomes Project 30x 0.00843.
gnomAD v4.1: 1,918 of 1,614,004 alleles (0.12%); highest among the groups gnomAD compares: African/African-American, 2.2%; 21 homozygotes.

Submissions (7):

Labcorp Genetics (formerly Invitae), Labcorp
Classification: Benign for Primary ciliary dyskinesia. Last evaluated: 2026-01-28. Review status: criteria provided, single submitter. Criteria: Invitae Variant Classification Sherloc (09022015). Collection method: clinical testing. Allele origin: germline.

Blueprint Genetics
Classification: Likely benign. Last evaluated: 2024-10-15. Review status: criteria provided, single submitter. Criteria: ACMG Guidelines, 2015. Collection method: clinical testing. Allele origin: germline.

Ambry Genetics
Classification: Benign for Primary ciliary dyskinesia. Last evaluated: 2018-04-13. Review status: criteria provided, single submitter. Criteria: Ambry Variant Classification Scheme 2023. Collection method: clinical testing. Allele origin: germline.

Illumina Laboratory Services, Illumina
Classification: Likely benign for Primary ciliary dyskinesia 3. Last evaluated: 2018-01-12. Review status: criteria provided, single submitter. Criteria: ICSL Variant Classification Criteria 13 December 2019. Collection method: clinical testing. Allele origin: germline.
Comment: This variant was observed in the ICSL laboratory as part of a predisposition screen in an ostensibly healthy population. It had not been previously curated by ICSL or reported in the Human Gene Mutation Database (HGMD: prior to June 1st, 2018), and was therefore a candidate for classification through an automated scoring system. Utilizing variant allele frequency, disease prevalence and penetrance estimates, and inheritance mode, an automated score was calculated to assess if this variant is too frequent to cause the disease. Based on the score and internal cut-off values, a variant classified as likely benign is not then subjected to further curation. The score for this variant resulted in a classification of likely benign for this disease.

Breakthrough Genomics
Classification: Likely benign. Review status: criteria provided, single submitter. Criteria: ACMG Guidelines, 2015. Collection method: not provided. Allele origin: germline. Inheritance: Autosomal recessive inheritance. Affected: yes.

PreventionGenetics, part of Exact Sciences
Classification: Benign. Review status: criteria provided, single submitter. Criteria: ACMG Guidelines, 2015. Collection method: clinical testing. Allele origin: germline.

Natera, Inc.
Classification: Benign for Primary ciliary dyskinesia. Last evaluated: 2020-09-16. Review status: no assertion criteria provided. Collection method: clinical testing. Allele origin: germline. Not counted in ClinVar's aggregate classification.